The following is an entry in ClinVar:

NM_022455.5(NSD1):c.5474dup (p.Met1826fs)

Genes: NSD1 (nuclear receptor binding SET domain protein 1; plus strand), LOC126807619 (MED14-independent group 3 enhancer GRCh37_chr5:176696443-176697642; plus strand). Cytogenetic location: 5q35.3.
Variant type: Duplication.
Coding change: c.5474dup on transcript NM_022455.5 (MANE Select); coding-DNA position 5474, one base duplicated (A; older notation c.5474dupA).
Protein change: p.Met1826fs; shifts the reading frame from methionine 1826.
Molecular consequence: frameshift variant.
Genome position (GRCh38, 1-based): chr5:177,269,772, A duplicated; the last of 2 consecutive A bases (chr5:177,269,771-177,269,772); duplicating either gives the same sequence. VCF-style (leftmost placement, unchanged base first): chr5-177269770-T-TA. GRCh37 (hg19) VCF-style: chr5-176696771-T-TA.
Other names: c.4601dup, p.Met1535Aspfs (NM_001365684.2, NM_001409308.1, NM_001409309.1 and 1 more transcripts); c.5474dup, p.Met1826Aspfs (NM_001409301.1, NM_001409302.1, NM_001409303.1); c.5054dup, p.Met1686Aspfs (NM_001409304.1); c.4721dup, p.Met1575Aspfs (NM_001409305.1); c.4712dup, p.Met1572Aspfs (NM_001409306.1, NM_001409307.1); short protein forms M1557fs, M1826fs.
Identifiers: ClinVar variation 978026 (VCV000978026.3), dbSNP rs1757806263, ClinGen allele CA1139659260.

ClinVar aggregate classification (germline): Likely pathogenic (1 of 4 stars; one submission).

Conditions:
Sotos syndrome (SOTOS). Also called: CEREBRAL GIGANTISM; Sotos' syndrome; CHROMOSOME 5q35 DELETION SYNDROME; SOTOS SYNDROME 1; Distinctive facial appearance, overgrowth in childhood, and learning disabilities or delayed development. Identifiers: Orphanet 821, MedGen C0175695, MONDO:0019349, OMIM 117550.

Submission:

Department of Paediatric Medicine, Post Graduation Institute of Medical Education and Research
Classification: Likely pathogenic for Sotos syndrome. Last evaluated: 2020-03-20. Review status: criteria provided, single submitter. Criteria: ACMG Guidelines, 2015. Collection method: clinical testing. Allele origin: de novo. Inheritance: Autosomal dominant inheritance. Affected: yes. Observed: 1 variant allele, 1 heterozygote.
Comment: The clinical significance was assigned and evaluated based on the ACMG guidelines for Variant Classification (Richards et al, 2015). This variant is absent in population databases (PM2); is a protein length changing variant (PM4); the patient's phenotype was highly specific for this gene (PP4) and multiple lines of computational evidence support a deleterious effect on the gene or gene product (PP3).